The following is an entry in ClinVar:

NM_003119.4(SPG7):c.2182-908G>A

Gene: SPG7 (SPG7 matrix AAA peptidase subunit, paraplegin; plus strand). Cytogenetic location: 16q24.3.
Variant type: single nucleotide variant.
Coding change: c.2182-908G>A on transcript NM_003119.4 (MANE Select); 908 bases into the intron before coding-DNA position 2182, G replaced by A.
Molecular consequence: intron variant. On other transcripts: synonymous variant (1).
Genome position (GRCh38, 1-based): chr16:89,555,979, G>A. VCF-style: chr16-89555979-G-A. GRCh37 (hg19) VCF-style: chr16-89622387-G-A.
Other names: c.2283G>A, p.Pro761= (NM_001363850.1).
Identifiers: ClinVar variation 4534395 (VCV004534395.6).
Genomic context (GRCh38, chr16:89,555,979, plus strand): 5'-AGACTGTCGTCCCCAGCCAGCAGCAGCCGCCTCTGGGCAGGTGTGGGCGGTGCCGTCCCC[G>A]GCTGAAGCAGGCCTGCCTGTGGACCCATGCTCATCACGGTTGACAAAGCAGCTCTGCAGA-3'

ClinVar aggregate classification (germline): Likely benign (1 of 4 stars; one submission).

Submission:

CeGaT Center for Human Genetics Tuebingen
Classification: Likely benign. Last evaluated: 2025-11-01. Review status: criteria provided, single submitter. Criteria: CeGaT Center For Human Genetics Tuebingen Variant Classification Criteria Version 2. Collection method: clinical testing. Allele origin: germline. Affected: yes. Observed: 1 variant allele.
Comment: SPG7: BP4, BP7